The following is an entry in ClinVar:

ClinVar aggregate classification (germline): Uncertain significance (1 of 4 stars; one submission).

Conditions:
Hereditary cancer-predisposing syndrome. Also called: Neoplastic Syndromes, Hereditary; Tumor predisposition; Hereditary neoplastic syndrome; Hereditary Cancer Syndrome. Identifiers: Orphanet 140162, MedGen C0027672, MeSH D009386, MONDO:0015356.

Submission:

Ambry Genetics
Classification: Uncertain significance for Hereditary cancer-predisposing syndrome. Last evaluated: 2026-06-23. Review status: criteria provided, single submitter. Criteria: Ambry Variant Classification Scheme 2023. Collection method: clinical testing. Allele origin: germline.
Comment: The p.A118T variant (also known as c.352G>A), located in coding exon 2 of the PHOX2B gene, results from a G to A substitution at nucleotide position 352. The alanine at codon 118 is replaced by threonine, an amino acid with similar properties. This amino acid position is highly conserved in available vertebrate species. In addition, the in silico prediction for this alteration is inconclusive. Based on the available evidence, the clinical significance of this variant remains unclear.

NM_003924.4(PHOX2B):c.352G>A (p.Ala118Thr)

Gene: PHOX2B (paired like homeobox 2B; minus strand). Cytogenetic location: 4p13.
Variant type: single nucleotide variant.
Coding change: c.352G>A on transcript NM_003924.4 (MANE Select); coding-DNA position 352, G replaced by A.
Protein change: p.Ala118Thr; replaces alanine 118 with threonine.
Molecular consequence: missense variant.
Genome position (GRCh38, 1-based): chr4:41,747,426, C>T on the plus strand (G>A on the coding strand, the complement: PHOX2B is on the minus strand). VCF-style: chr4-41747426-C-T. GRCh37 (hg19) VCF-style: chr4-41749443-C-T.
Other names: short protein forms A118T.
Identifiers: ClinVar variation 5026522 (VCV005026522.1).
Genomic context (GRCh38, chr4:41,747,426, plus strand): 5'-TGAGGTCGATCTTCAGGGCCAGCTCCTCCCGAGTGTAGATGTCGGGGTAGTGAGTCTCCG[C>T]GAAGACCCTTTCCAGCTCTTTGAGCTGGGCACTGGTGAAAGTGGTGCGGATGCGCCGCTG-3'
Protein context (NP_003915.2, residues 108-128): AQLKELERVF[Ala118Thr]ETHYPDIYTR